The following is an entry in ClinVar:

ClinVar aggregate classification (germline): Uncertain significance (1 of 4 stars; one submission).

Conditions:
KBG syndrome (KBGS). Also called: ANKRD11-Related KBG Syndrome. Identifiers: Orphanet 2332, MedGen C0220687, MONDO:0007846, OMIM 148050.

Allele frequency attached by ClinVar (database versions not stated): gnomAD exomes below 0.00001; TOPMed 0.00001.
gnomAD v4.1: 1 of 1,611,786 alleles (0.000062%); highest among the groups gnomAD compares: Non-Finnish European, 0.000085%; no homozygotes.

Submission:

Labcorp Genetics (formerly Invitae), Labcorp
Classification: Uncertain significance for KBG syndrome. Last evaluated: 2023-02-17. Review status: criteria provided, single submitter. Criteria: Invitae Variant Classification Sherloc (09022015). Collection method: clinical testing. Allele origin: germline.
Comment: In summary, the available evidence is currently insufficient to determine the role of this variant in disease. Therefore, it has been classified as a Variant of Uncertain Significance. Advanced modeling of protein sequence and biophysical properties (such as structural, functional, and spatial information, amino acid conservation, physicochemical variation, residue mobility, and thermodynamic stability) has been performed at Invitae for this missense variant, however the output from this modeling did not meet the statistical confidence thresholds required to predict the impact of this variant on ANKRD11 protein function. This variant has not been reported in the literature in individuals affected with ANKRD11-related conditions. This variant is not present in population databases (gnomAD no frequency). This sequence change replaces asparagine, which is neutral and polar, with serine, which is neutral and polar, at codon 2565 of the ANKRD11 protein (p.Asn2565Ser).

NM_013275.6(ANKRD11):c.7694A>G (p.Asn2565Ser)

Gene: ANKRD11 (ankyrin repeat domain 11; minus strand). Cytogenetic location: 16q24.3.
Variant type: single nucleotide variant.
Coding change: c.7694A>G on transcript NM_013275.6 (MANE Select); coding-DNA position 7694, A replaced by G.
Protein change: p.Asn2565Ser; replaces asparagine 2565 with serine.
Molecular consequence: missense variant.
Genome position (GRCh38, 1-based): chr16:89,274,833, T>C on the plus strand (A>G on the coding strand, the complement: ANKRD11 is on the minus strand). VCF-style: chr16-89274833-T-C. GRCh37 (hg19) VCF-style: chr16-89341241-T-C.
Other names: c.7694A>G, p.Asn2565Ser (NM_001256182.2, NM_001256183.2); short protein forms N2565S.
Identifiers: ClinVar variation 2712916 (VCV002712916.3), dbSNP rs2033503533, ClinGen allele CA397147488.